The following is an entry in ClinVar:

ClinVar aggregate classification (germline): Uncertain significance (1 of 4 stars; one submission).

Submission:

CeGaT Center for Human Genetics Tuebingen
Classification: Uncertain significance. Last evaluated: 2026-02-01. Review status: criteria provided, single submitter. Criteria: CeGaT Center For Human Genetics Tuebingen Variant Classification Criteria Version 2. Collection method: clinical testing. Allele origin: germline. Affected: yes. Observed: 1 variant allele.
Comment: PFN1: PM2

NM_005022.4(PFN1):c.393G>A (p.Met131Ile)

Gene: PFN1 (profilin 1; minus strand). Cytogenetic location: 17p13.2.
Variant type: single nucleotide variant.
Coding change: c.393G>A on transcript NM_005022.4 (MANE Select); coding-DNA position 393, G replaced by A.
Protein change: p.Met131Ile; replaces methionine 131 with isoleucine.
Molecular consequence: missense variant. On other transcripts: 3 prime UTR variant (1).
Genome position (GRCh38, 1-based): chr17:4,945,930, C>T on the plus strand (G>A on the coding strand, the complement: PFN1 is on the minus strand). VCF-style: chr17-4945930-C-T. GRCh37 (hg19) VCF-style: chr17-4849225-C-T.
Other names: c.*477G>A (NM_001375991.1); short protein forms M131I.
Identifiers: ClinVar variation 4823569 (VCV004823569.4).
Genomic context (GRCh38, chr17:4,945,930, plus strand): 5'-GGAGCGGTGAAGGGGAAGGGACAGACGAGGTCAGTACTGGGAACGCCGAAGGTGGGAGGC[C>T]ATTTCATAACATTTCTTGTTGATCAAACCACCGTGGACACCTTCTTTGCCCATCAGCAGG-3'
Protein context (NP_005013.1, residues 121-140): GGLINKKCYE[Met131Ile]ASHLRRSQY